The following is an entry in ClinVar:

ClinVar aggregate classification (germline): Uncertain significance (1 of 4 stars; one submission).

Submission:

Dasa
Classification: Uncertain significance. Last evaluated: 2025-07-18. Review status: criteria provided, single submitter. Criteria: DASA Assertion Criteria. Collection method: clinical testing. Allele origin: germline.
Comment: NM_001377137.1(GBF1):c.658G>T (p.Gly220Cys) is a missense variant that results in the substitution of glycine with cysteine. This variant is absent from population databases. Computational prediction algorithms are consistent with a benign effect. The currently available literature and clinical evidence are not sufficient to establish a definitive association between this variant and the reported condition. Therefore, this variant is classified as a variant of uncertain significance.

NM_001377137.1(GBF1):c.658G>T (p.Gly220Cys)

Gene: GBF1 (golgi brefeldin A resistant guanine nucleotide exchange factor 1; plus strand). Cytogenetic location: 10q24.32.
Variant type: single nucleotide variant.
Coding change: c.658G>T on transcript NM_001377137.1 (MANE Select); coding-DNA position 658, G replaced by T.
Protein change: p.Gly220Cys; replaces glycine 220 with cysteine.
Molecular consequence: missense variant. On other transcripts: non-coding transcript variant (5).
Genome position (GRCh38, 1-based): chr10:102,358,057, G>T. VCF-style: chr10-102358057-G-T. GRCh37 (hg19) VCF-style: chr10-104117814-G-T.
Other names: c.658G>T, p.Gly220Cys (NM_001199378.2, NM_001199379.2, NM_001377138.1 and 13 more transcripts); c.757G>T, p.Gly253Cys (NM_001391922.1, NM_001411027.1); c.733G>T, p.Gly245Cys (NM_001411003.1); short protein forms G220C, G245C, G253C.
Identifiers: ClinVar variation 4885585 (VCV004885585.2).